The following is an entry in ClinVar:

ClinVar aggregate classification (germline): Uncertain significance (1 of 4 stars; one submission).

Conditions:
Atrioventricular septal defect 5 (AVSD5). Identifiers: MedGen C3280939, MONDO:0013769, OMIM 614474.

Submission:

Labcorp Genetics (formerly Invitae), Labcorp
Classification: Uncertain significance for Atrioventricular septal defect 5. Last evaluated: 2025-09-10. Review status: criteria provided, single submitter. Criteria: Invitae Variant Classification Sherloc (09022015). Collection method: clinical testing. Allele origin: germline.
Comment: This sequence change replaces glutamine, which is neutral and polar, with histidine, which is basic and polar, at codon 397 of the GATA6 protein (p.Gln397His). This variant is not present in population databases (gnomAD no frequency). This variant has not been reported in the literature in individuals affected with GATA6-related conditions. Invitae Evidence Modeling of protein sequence and biophysical properties (such as structural, functional, and spatial information, amino acid conservation, physicochemical variation, residue mobility, and thermodynamic stability) indicates that this missense variant is not expected to disrupt GATA6 protein function with a negative predictive value of 80%. In summary, the available evidence is currently insufficient to determine the role of this variant in disease. Therefore, it has been classified as a Variant of Uncertain Significance.

NM_005257.6(GATA6):c.1191G>T (p.Gln397His)

Gene: GATA6 (GATA binding protein 6; plus strand). Cytogenetic location: 18q11.2.
Variant type: single nucleotide variant.
Coding change: c.1191G>T on transcript NM_005257.6 (MANE Select); coding-DNA position 1191, G replaced by T.
Protein change: p.Gln397His; replaces glutamine 397 with histidine.
Molecular consequence: missense variant.
Genome position (GRCh38, 1-based): chr18:22,177,010, G>T. VCF-style: chr18-22177010-G-T. GRCh37 (hg19) VCF-style: chr18-19756971-G-T.
Other names: short protein forms Q397H.
Identifiers: ClinVar variation 4745421 (VCV004745421.1).